The following is an entry in ClinVar:

ClinVar aggregate classification (germline): Uncertain significance. Review status: criteria provided, multiple submitters, no conflicts (2 of 4 stars). 2 submissions from 2 submitters: Uncertain significance (2). Last evaluated 2024-11-07.

Conditions:
Inborn genetic diseases. Identifiers: MedGen C0950123, MeSH D030342.
Chédiak-Higashi syndrome (CHS). Also called: Chediak-Higashi Syndrome. Identifiers: Orphanet 167, MedGen C0007965, MONDO:0008963, OMIM 214500.

Allele frequency attached by ClinVar (database versions not stated): ExAC 0.00001; gnomAD exomes 0.00001.
gnomAD v4.1: 10 of 1,600,326 alleles (0.00062%); highest among the groups gnomAD compares: Non-Finnish European, 0.00069%; no homozygotes.

Submissions (2):

Ambry Genetics
Classification: Uncertain significance for Inborn genetic diseases. Last evaluated: 2024-11-07. Review status: criteria provided, single submitter. Criteria: Ambry Variant Classification Scheme 2023. Collection method: clinical testing. Allele origin: germline.

Labcorp Genetics (formerly Invitae), Labcorp
Classification: Uncertain significance for Chédiak-Higashi syndrome. Last evaluated: 2021-09-01. Review status: criteria provided, single submitter. Criteria: Invitae Variant Classification Sherloc (09022015). Collection method: clinical testing. Allele origin: germline.
Comment: This sequence change replaces lysine with glutamine at codon 2858 of the LYST protein (p.Lys2858Gln). The lysine residue is moderately conserved and there is a small physicochemical difference between lysine and glutamine. This variant is present in population databases (rs769212842, ExAC 0.002%). This variant has not been reported in the literature in individuals affected with LYST-related conditions. Algorithms developed to predict the effect of missense changes on protein structure and function are either unavailable or do not agree on the potential impact of this missense change (SIFT: "Tolerated"; PolyPhen-2: "Probably Damaging"; Align-GVGD: "Class C0"). In summary, the available evidence is currently insufficient to determine the role of this variant in disease. Therefore, it has been classified as a Variant of Uncertain Significance.

NM_000081.4(LYST):c.8572A>C (p.Lys2858Gln)

Gene: LYST (lysosomal trafficking regulator; minus strand). Cytogenetic location: 1q42.3.
Variant type: single nucleotide variant.
Coding change: c.8572A>C on transcript NM_000081.4 (MANE Select); coding-DNA position 8572, A replaced by C.
Protein change: p.Lys2858Gln; replaces lysine 2858 with glutamine.
Molecular consequence: missense variant.
Genome position (GRCh38, 1-based): chr1:235,733,870, T>G on the plus strand (A>C on the coding strand, the complement: LYST is on the minus strand). VCF-style: chr1-235733870-T-G. GRCh37 (hg19) VCF-style: chr1-235897170-T-G.
Other names: c.8572A>C (NM_000081.2); c.8572A>C, p.Lys2858Gln (NM_001301365.1); short protein forms K2858Q.
Identifiers: ClinVar variation 641008 (VCV000641008.4), dbSNP rs769212842, ClinGen allele CA1465819.
Genomic context (GRCh38, chr1:235,733,870, plus strand): 5'-TGGAACATATAAAATCTTACCTTTGTTGATTATTGTTAACTGTTTTCTGCCAAGCAGCTT[T>G]ATTCACTCCTTCTTCAGTTTCATATTTCTTTTGTTCCTAGAAGATTTAGATAATAATATA-3'
Protein context (NP_000072.2, residues 2848-2868): KKYETEEGVN[Lys2858Gln]AAWQKTVNNN